The following is an entry in ClinVar:

ClinVar aggregate classification (germline): Uncertain significance. Review status: criteria provided, multiple submitters, no conflicts (2 of 4 stars). 2 submissions from 2 submitters: Uncertain significance (2). Last evaluated 2025-07-03.

Conditions:
Cardiovascular phenotype. Identifiers: MedGen CN230736.
Atrial fibrillation, familial, 14 (ATFB14). Identifiers: MedGen C3809312, MONDO:0014156, OMIM 615378.

Allele frequency attached by ClinVar (database versions not stated): ExAC 0.00001; gnomAD 0.00001; TOPMed 0.00001.
gnomAD v4.1: 6 of 1,614,074 alleles (0.00037%); highest among the groups gnomAD compares: Non-Finnish European, 0.00051%; no homozygotes.

Submissions (2):

Ambry Genetics
Classification: Uncertain significance for Cardiovascular phenotype. Last evaluated: 2025-07-03. Review status: criteria provided, single submitter. Criteria: Ambry Variant Classification Scheme 2023. Collection method: clinical testing. Allele origin: germline.
Comment: The p.D109N variant (also known as c.325G>A), located in coding exon 3 of the SCN2B gene, results from a G to A substitution at nucleotide position 325. The aspartic acid at codon 109 is replaced by asparagine, an amino acid with highly similar properties. This amino acid position is highly conserved in available vertebrate species. In addition, this alteration is predicted to be tolerated by in silico analysis. The evidence for this gene-disease relationship is limited; therefore, the clinical significance of this alteration is unclear.

Labcorp Genetics (formerly Invitae), Labcorp
Classification: Uncertain significance for Atrial fibrillation, familial, 14. Last evaluated: 2023-08-18. Review status: criteria provided, single submitter. Criteria: Invitae Variant Classification Sherloc (09022015). Collection method: clinical testing. Allele origin: germline.
Comment: This sequence change replaces aspartic acid, which is acidic and polar, with asparagine, which is neutral and polar, at codon 109 of the SCN2B protein (p.Asp109Asn). The frequency data for this variant in the population databases is considered unreliable, as metrics indicate poor data quality at this position in the gnomAD database. This variant has not been reported in the literature in individuals affected with SCN2B-related conditions. ClinVar contains an entry for this variant (Variation ID: 1729515). An algorithm developed to predict the effect of missense changes on protein structure and function (PolyPhen-2) suggests that this variant is likely to be disruptive. Experimental studies have shown that this missense change affects SCN2B function (PMID: 31041876). In summary, the available evidence is currently insufficient to determine the role of this variant in disease. Therefore, it has been classified as a Variant of Uncertain Significance.

Literature cited by the submitters: PubMed 31041876 (cited by Labcorp Genetics (formerly Invitae), Labcorp).

NM_004588.5(SCN2B):c.325G>A (p.Asp109Asn)

Gene: SCN2B (sodium voltage-gated channel beta subunit 2; minus strand). Cytogenetic location: 11q23.3.
Variant type: single nucleotide variant.
Coding change: c.325G>A on transcript NM_004588.5 (MANE Select); coding-DNA position 325, G replaced by A.
Protein change: p.Asp109Asn; replaces aspartic acid 109 with asparagine.
Molecular consequence: missense variant.
Genome position (GRCh38, 1-based): chr11:118,168,208, C>T on the plus strand (G>A on the coding strand, the complement: SCN2B is on the minus strand). VCF-style: chr11-118168208-C-T. GRCh37 (hg19) VCF-style: chr11-118038923-C-T.
Other names: short protein forms D109N.
Identifiers: ClinVar variation 1729515 (VCV001729515.6), dbSNP rs780695088, ClinGen allele CA6300483.
Genomic context (GRCh38, chr11:118,168,208, plus strand): 5'-TGTAGCAGTTGTAAATCCCCTCATCCTCCGGCTGCACGTTTCTCAGCATCACCGACACAT[C>T]GTACTTGCTGGGGTTCCCTGAGAACTCCACGCGGTCTTGAAACCGCTCCAGCTTCAGGTT-3'
Protein context (NP_004579.1, residues 99-119): VEFSGNPSKY[Asp109Asn]VSVMLRNVQP